The following is an entry in ClinVar:

NM_000222.3(KIT):c.823T>G (p.Leu275Val)

Gene: KIT (KIT proto-oncogene, receptor tyrosine kinase; plus strand). Cytogenetic location: 4q12.
Variant type: single nucleotide variant.
Coding change: c.823T>G on transcript NM_000222.3 (MANE Select); coding-DNA position 823, T replaced by G.
Protein change: p.Leu275Val; replaces leucine 275 with valine.
Molecular consequence: missense variant.
Genome position (GRCh38, 1-based): chr4:54,703,790, T>G. VCF-style: chr4-54703790-T-G. GRCh37 (hg19) VCF-style: chr4-55569956-T-G.
Other names: c.823T>G, p.Leu275Val (NM_001093772.2, NM_001385285.1, NM_001385286.1); c.826T>G, p.Leu276Val (NM_001385284.1, NM_001385288.1, NM_001385290.1 and 1 more transcripts); short protein forms L275V, L276V.
Identifiers: ClinVar variation 3230690 (VCV003230690.1), dbSNP rs1351977769, ClinGen allele CA356899727.

ClinVar aggregate classification (germline): Uncertain significance (1 of 4 stars; one submission).

Conditions:
Hereditary cancer-predisposing syndrome. Also called: Neoplastic Syndromes, Hereditary; Tumor predisposition; Hereditary neoplastic syndrome; Hereditary Cancer Syndrome. Identifiers: Orphanet 140162, MedGen C0027672, MeSH D009386, MONDO:0015356.

Submission:

Ambry Genetics
Classification: Uncertain significance for Hereditary cancer-predisposing syndrome. Last evaluated: 2022-11-24. Review status: criteria provided, single submitter. Criteria: Ambry Variant Classification Scheme 2023. Collection method: clinical testing. Allele origin: germline.
Comment: The p.L275V variant (also known as c.823T>G), located in coding exon 5 of the KIT gene, results from a T to G substitution at nucleotide position 823. The leucine at codon 275 is replaced by valine, an amino acid with highly similar properties. This amino acid position is conserved. In addition, the in silico prediction for this alteration is inconclusive. Since supporting evidence is limited at this time, the clinical significance of this alteration remains unclear.